The following is an entry in ClinVar:

NM_199355.4(ADAMTS18):c.2404G>A (p.Gly802Arg)

Gene: ADAMTS18 (ADAM metallopeptidase with thrombospondin type 1 motif 18; minus strand). Cytogenetic location: 16q23.1.
Variant type: single nucleotide variant.
Coding change: c.2404G>A on transcript NM_199355.4 (MANE Select); coding-DNA position 2404, G replaced by A.
Protein change: p.Gly802Arg; replaces glycine 802 with arginine.
Molecular consequence: missense variant.
Genome position (GRCh38, 1-based): chr16:77,319,977, C>T on the plus strand (G>A on the coding strand, the complement: ADAMTS18 is on the minus strand). VCF-style: chr16-77319977-C-T. GRCh37 (hg19) VCF-style: chr16-77353874-C-T.
Other names: c.1888G>A, p.Gly630Arg (NM_001326358.2); short protein forms G630R, G802R.
Identifiers: ClinVar variation 1923554 (VCV001923554.6), dbSNP rs544641967, ClinGen allele CA8180920.

ClinVar aggregate classification (germline): Uncertain significance. Review status: criteria provided, multiple submitters, no conflicts (2 of 4 stars). 2 submissions from 2 submitters: Uncertain significance (2). Last evaluated 2024-09-11.

gnomAD v4.1: 20 of 1,613,998 alleles (0.0012%); highest among the groups gnomAD compares: South Asian, 0.0044%; no homozygotes.

Submissions (2):

Blueprint Genetics
Classification: Uncertain significance. Last evaluated: 2024-09-11. Review status: criteria provided, single submitter. Criteria: ACMG Guidelines, 2015. Collection method: clinical testing. Allele origin: germline.

Labcorp Genetics (formerly Invitae), Labcorp
Classification: Uncertain significance. Last evaluated: 2022-03-11. Review status: criteria provided, single submitter. Criteria: Invitae Variant Classification Sherloc (09022015). Collection method: clinical testing. Allele origin: germline.
Comment: Algorithms developed to predict the effect of missense changes on protein structure and function are either unavailable or do not agree on the potential impact of this missense change (SIFT: "Not Available"; PolyPhen-2: "Probably Damaging"; Align-GVGD: "Not Available"). In summary, the available evidence is currently insufficient to determine the role of this variant in disease. Therefore, it has been classified as a Variant of Uncertain Significance. This variant has not been reported in the literature in individuals affected with ADAMTS18-related conditions. The frequency data for this variant in the population databases is considered unreliable, as metrics indicate poor data quality at this position in the gnomAD database. This sequence change replaces glycine, which is neutral and non-polar, with arginine, which is basic and polar, at codon 802 of the ADAMTS18 protein (p.Gly802Arg).